The following is an entry in ClinVar:

ClinVar aggregate classification (germline): Likely benign (1 of 4 stars; one submission).

Allele frequency attached by ClinVar (database versions not stated): gnomAD exomes 0.00002; gnomAD 0.00003; TOPMed 0.00004; ExAC 0.00005.
gnomAD v4.1: 40 of 1,614,104 alleles (0.0025%); highest among the groups gnomAD compares: East Asian, 0.038%; no homozygotes.

Submission:

CeGaT Center for Human Genetics Tuebingen
Classification: Likely benign. Last evaluated: 2026-09-01. Review status: criteria provided, single submitter. Criteria: CeGaT Center For Human Genetics Tuebingen Variant Classification Criteria Version 2. Collection method: clinical testing. Allele origin: germline. Affected: yes. Observed: 3 variant alleles.
Comment: ZNF462: BP4, BP7

NM_021224.6(ZNF462):c.5397C>T (p.His1799=)

Gene: ZNF462 (zinc finger protein 462; plus strand). Cytogenetic location: 9q31.2.
Variant type: single nucleotide variant.
Coding change: c.5397C>T on transcript NM_021224.6 (MANE Select); coding-DNA position 5397, C replaced by T.
Protein change: p.His1799=; no amino-acid change (histidine 1799 retained).
Molecular consequence: synonymous variant. On other transcripts: intron variant (1).
Genome position (GRCh38, 1-based): chr9:106,929,309, C>T. VCF-style: chr9-106929309-C-T. GRCh37 (hg19) VCF-style: chr9-109691590-C-T.
Other names: c.3253-1216C>T (NM_001347997.2).
Identifiers: ClinVar variation 2659388 (VCV002659388.24), dbSNP rs761807857, ClinGen allele CA5171996.